The following is an entry in ClinVar:

ClinVar aggregate classification (germline): Benign. Review status: criteria provided, single submitter (1 of 4 stars). 4 submissions from 2 submitters: Benign (1). 3 of the submissions do not count toward it. Last evaluated 2015-01-07.

Conditions:
Large for gestational age. Identifiers: MedGen C1848395, HP:0001520.
Premature ovarian insufficiency (POF). Also called: Premature ovarian failure. Identifiers: MedGen C4303540, HP:0008209.
Small for gestational age. Also called: Low birth weight. Identifiers: MedGen C0235991, HP:0001518.
Normal pregnancy. Identifiers: MedGen C0232989.

Submissions (4):

Department of Biotechnology, Institute of Molecular and Cell Biology, University of Tartu
Classification: Benign for Primary ovarian failure. Last evaluated: 2015-01-07. Review status: criteria provided, single submitter. Criteria: ACMG CNV Guidelines, 2011. Collection method: reference population. Allele origin: unknown. Affected: yes. Observed: 2 variant alleles.

Institute of Molecular and Cell Biology, University of Tartu
No classification provided. Condition: Small for gestational age. Review status: no classification provided. Collection method: case-control. Allele origin: unknown. Affected: yes. Study: Kasak2014. Not counted in ClinVar's aggregate classification.
Comment: The study aimed to determine the contribution of copy number variants in the genetic etiology of normal and complicated pregnancies. The samples represented (i) maternal blood DNA drawn from healthy pregnant women during 1st or 2nd trimester and (ii) maternal and paternal blood DNA drawn at term pregnancy cases representing normal and complicated gestations (severe preeclampsia, PE; gestational diabetes, GD; small-for-gestational age newborn, SGA; large-for-gestational age newborn, LGA). We performed CNV calling based on genome-wide genotyping dataset (Illumina HumanOmniExpress-24-v1 BeadChip) by applying three algorithms, QuantiSNP, GADA (Genome Alteration Detection Algorithm) and CNstream in parallel. The acquired CNV calls were merged with HD-CNV (Hotspot Detector for Copy Number Variants) program and only the CNVs predicted by at least two programs, were considered in subsequent analysis.

Institute of Molecular and Cell Biology, University of Tartu
No classification provided. Condition: Large for gestational age. Review status: no classification provided. Collection method: case-control. Allele origin: unknown. Affected: yes. Study: Kasak2014. Not counted in ClinVar's aggregate classification.
Comment: the same text as in the submission from Institute of Molecular and Cell Biology, University of Tartu above.

Institute of Molecular and Cell Biology, University of Tartu
No classification provided. Condition: Normal pregnancy. Review status: no classification provided. Collection method: case-control. Allele origin: unknown. Affected: yes. Study: Kasak2014. Not counted in ClinVar's aggregate classification.
Comment: the same text as in the submission from Institute of Molecular and Cell Biology, University of Tartu above.

Literature cited by the submitters: PubMed 25666259 (cited by Institute of Molecular and Cell Biology, University of Tartu).

GRCh38/hg38 10q21.3(chr10:66318723-66354723)x1

Genes: CTNNA3 (catenin alpha 3; minus strand), LOC132089819 (Neanderthal introgressed variant-containing enhancer experimental_15354; plus strand). Cytogenetic location: 10q21.3.
Variant type: copy number loss.
Change: copy number 1 (one copy instead of two) of chr10:66,318,723-66,354,723 (36.0 kb, GRCh38 coordinates, 1-based), cytogenetic band 10q21.3.
Identifiers: ClinVar variation 221734 (VCV000221734.2).